The following is an entry in ClinVar:

ClinVar aggregate classification (germline): Uncertain significance. Review status: criteria provided, multiple submitters, no conflicts (2 of 4 stars). 2 submissions from 2 submitters: Uncertain significance (2). Last evaluated 2022-07-11.

Conditions:
Hereditary spastic paraplegia. Also called: Familial spastic paraparesis. Identifiers: Orphanet 685, MedGen C0037773, MONDO:0019064. Disease mechanism: loss of function.
Hereditary spastic paraplegia 7 (SPG7). Also called: SPG7-related neurologic disorder; SPASTIC PARAPLEGIA 7, AUTOSOMAL RECESSIVE, WITH OR WITHOUT CEREBELLAR ATAXIA; Spastic paraplegia 7; Hereditary spastic paraplegia Paraplegin type; Autosomal recessive spastic paraplegia type 7. Identifiers: Orphanet 99013, MedGen C1846564, MONDO:0011803, OMIM 607259.

Allele frequency attached by ClinVar (database versions not stated): gnomAD 0.00001 and 0.00003; TOPMed 0.00005; ExAC 0.00006; gnomAD exomes 0.00008.
gnomAD v4.1: 65 of 1,613,192 alleles (0.004%); highest among the groups gnomAD compares: East Asian, 0.029%; no homozygotes.

Submissions (2):

Labcorp Genetics (formerly Invitae), Labcorp
Classification: Uncertain significance for Hereditary spastic paraplegia 7. Last evaluated: 2022-07-11. Review status: criteria provided, single submitter. Criteria: Invitae Variant Classification Sherloc (09022015). Collection method: clinical testing. Allele origin: germline.
Comment: The frequency data for this variant in the population databases is considered unreliable, as metrics indicate poor data quality at this position in the gnomAD database. This sequence change replaces arginine, which is basic and polar, with histidine, which is basic and polar, at codon 508 of the SPG7 protein (p.Arg508His). This missense change has been observed in individual(s) with hereditary spastic paraplegia (PMID: 27217339). In summary, the available evidence is currently insufficient to determine the role of this variant in disease. Therefore, it has been classified as a Variant of Uncertain Significance. Algorithms developed to predict the effect of missense changes on protein structure and function (SIFT, PolyPhen-2, Align-GVGD) all suggest that this variant is likely to be tolerated. ClinVar contains an entry for this variant (Variation ID: 570831).

Genome Diagnostics Laboratory, The Hospital for Sick Children
Classification: Uncertain significance for Hereditary spastic paraplegia. Last evaluated: 2019-04-01. Review status: criteria provided, single submitter. Criteria: ACMG Guidelines, 2015. Collection method: clinical testing. Allele origin: germline. Affected: yes.

Literature cited by the submitters: PubMed 27217339 (cited by Labcorp Genetics (formerly Invitae), Labcorp).

NM_003119.4(SPG7):c.1523G>A (p.Arg508His)

Gene: SPG7 (SPG7 matrix AAA peptidase subunit, paraplegin; plus strand). Cytogenetic location: 16q24.3.
Variant type: single nucleotide variant.
Coding change: c.1523G>A on transcript NM_003119.4 (MANE Select); coding-DNA position 1523, G replaced by A.
Protein change: p.Arg508His; replaces arginine 508 with histidine.
Molecular consequence: missense variant.
Genome position (GRCh38, 1-based): chr16:89,546,731, G>A. VCF-style: chr16-89546731-G-A. GRCh37 (hg19) VCF-style: chr16-89613139-G-A.
Other names: c.1523G>A, p.Arg508His (NM_001363850.1); short protein forms R508H.
Identifiers: ClinVar variation 570831 (VCV000570831.13), dbSNP rs201733920, ClinGen allele CA8244233.